The following is an entry in ClinVar:

ClinVar aggregate classification (germline): Uncertain significance (1 of 4 stars; one submission).

Conditions:
Amyloidosis, hereditary systemic 1 (AMYLD1). Also called: Hereditary oculoleptomeningeal amyloid angiopathy; Familial Transthyretin Amyloidosis; Hereditary Transthyretin Amyloidosis; AMYLOID CARDIOMYOPATHY; Familial amyloid polyneuropathy; Transthyretin Amyloidosis. Identifiers: Orphanet 85447, Orphanet 85451, MedGen C2751492, MONDO:0971004, OMIM 105210.

Submission:

Labcorp Genetics (formerly Invitae), Labcorp
Classification: Uncertain significance for Amyloidosis, hereditary systemic 1. Last evaluated: 2023-03-21. Review status: criteria provided, single submitter. Criteria: Invitae Variant Classification Sherloc (09022015). Collection method: clinical testing. Allele origin: germline.
Comment: In summary, the available evidence is currently insufficient to determine the role of this variant in disease. Therefore, it has been classified as a Variant of Uncertain Significance. Algorithms developed to predict the effect of sequence changes on RNA splicing suggest that this variant may create or strengthen a splice site. This variant has not been reported in the literature in individuals affected with TTR-related conditions. This variant is not present in population databases (gnomAD no frequency). This sequence change falls in intron 1 of the TTR gene. It does not directly change the encoded amino acid sequence of the TTR protein.

NM_000371.4(TTR):c.70-20del

Gene: TTR (transthyretin; plus strand). Cytogenetic location: 18q12.1.
Variant type: Deletion.
Coding change: c.70-20del on transcript NM_000371.4 (MANE Select); 20 bases into the intron before coding-DNA position 70, one base deleted (C; older notation c.70-20delC).
Molecular consequence: intron variant.
Genome position (GRCh38, 1-based): chr18:31,592,876, C deleted. VCF-style (leftmost placement, unchanged base first): chr18-31592875-AC-A. GRCh37 (hg19) VCF-style: chr18-29172838-AC-A.
Identifiers: ClinVar variation 2974972 (VCV002974972.3), dbSNP rs2510932317, ClinGen allele CA2740091787.
Genomic context (GRCh38, chr18:31,592,875, plus strand): 5'-CAGATTTCTAATACCACAAAGAATAAATCCTTTCACTCTGATCAATTTTGTTAACTTCTC[AC>A]GTGTCTTCTCTACACCCAGGGCACCGGTGAATCCAAGTGTCCTCTGATGGTCAAAGTTCT-3'